The following is an entry in ClinVar:

ClinVar aggregate classification (germline): Uncertain significance (1 of 4 stars; one submission).

Conditions:
Mucopolysaccharidosis, MPS-III-B (MPS3B). Also called: N-ACETYL-ALPHA-D-GLUCOSAMINIDASE DEFICIENCY; NAGLU DEFICIENCY; SANFILIPPO SYNDROME B; MPS III B; Mucopolysaccharidosis type IIIB (Sanfilippo B); MPS IIIB (Sanfilippo Syndrome Type B). Identifiers: Orphanet 79270, MedGen C0086648, MONDO:0009656, OMIM 252920.
Charcot-Marie-Tooth disease axonal type 2V. Also called: CHARCOT-MARIE-TOOTH NEUROPATHY, TYPE 2V; CHARCOT-MARIE-TOOTH DISEASE, AXONAL, AUTOSOMAL DOMINANT, TYPE 2V. Identifiers: Orphanet 447964, MedGen C5569050, MONDO:0014665, OMIM 616491.

Submission:

Labcorp Genetics (formerly Invitae), Labcorp
Classification: Uncertain significance for Charcot-Marie-Tooth disease axonal type 2V; Mucopolysaccharidosis, MPS-III-B. Last evaluated: 2022-07-25. Review status: criteria provided, single submitter. Criteria: Invitae Variant Classification Sherloc (09022015). Collection method: clinical testing. Allele origin: germline.
Comment: In summary, the available evidence is currently insufficient to determine the role of this variant in disease. Therefore, it has been classified as a Variant of Uncertain Significance. Algorithms developed to predict the effect of missense changes on protein structure and function are either unavailable or do not agree on the potential impact of this missense change (SIFT: "Tolerated"; PolyPhen-2: "Not Available"; Align-GVGD: "Class C0"). This variant has not been reported in the literature in individuals affected with NAGLU-related conditions. This variant is not present in population databases (gnomAD no frequency). This sequence change replaces glutamic acid, which is acidic and polar, with lysine, which is basic and polar, at codon 25 of the NAGLU protein (p.Glu25Lys).

NM_000263.4(NAGLU):c.73G>A (p.Glu25Lys)

Genes: NAGLU (N-acetyl-alpha-glucosaminidase; plus strand), LOC130060903 (ATAC-STARR-seq lymphoblastoid silent region 8533; plus strand). Cytogenetic location: 17q21.2.
Variant type: single nucleotide variant.
Coding change: c.73G>A on transcript NM_000263.4 (MANE Select); coding-DNA position 73, G replaced by A.
Protein change: p.Glu25Lys; replaces glutamic acid 25 with lysine.
Molecular consequence: missense variant.
Genome position (GRCh38, 1-based): chr17:42,536,345, G>A. VCF-style: chr17-42536345-G-A. GRCh37 (hg19) VCF-style: chr17-40688363-G-A.
Other names: short protein forms E25K.
Identifiers: ClinVar variation 1947032 (VCV001947032.5), dbSNP rs1358822473, ClinGen allele CA399595198.